The following is an entry in ClinVar:

ClinVar aggregate classification (germline): Pathogenic. Review status: criteria provided, multiple submitters, no conflicts (2 of 4 stars). 2 submissions from 2 submitters: Pathogenic (2). Last evaluated 2022-10-23.

Conditions:
DYRK1A-related intellectual disability syndrome (MRD7). Also called: Intellectual developmental disorder, autosomal dominant 7; DYRK1A Syndrome. Identifiers: Orphanet 464306, MedGen C5568143, MONDO:0013578, OMIM 614104.

Submissions (2):

Labcorp Genetics (formerly Invitae), Labcorp
Classification: Pathogenic for DYRK1A-related intellectual disability syndrome. Last evaluated: 2022-10-23. Review status: criteria provided, single submitter. Criteria: Invitae Variant Classification Sherloc (09022015). Collection method: clinical testing. Allele origin: germline.
Comment: This sequence change creates a premature translational stop signal (p.Tyr338*) in the DYRK1A gene. It is expected to result in an absent or disrupted protein product. Loss-of-function variants in DYRK1A are known to be pathogenic (PMID: 25944381). This variant is not present in population databases (gnomAD no frequency). This variant has not been reported in the literature in individuals affected with DYRK1A-related conditions. ClinVar contains an entry for this variant (Variation ID: 280454). For these reasons, this variant has been classified as Pathogenic.

GeneDx
Classification: Pathogenic. Last evaluated: 2016-03-23. Review status: criteria provided, single submitter. Criteria: GeneDx Variant Classification (06012015). Collection method: clinical testing. Allele origin: germline. Affected: yes.
Comment: The Y338X pathogenic variant in the DYRK1A gene has not been reported previously as a pathogenic variant nor as a benign variant, to our knowledge. This variant is predicted to cause loss of normal protein function either through protein truncation or nonsense-mediated mRNA decay. The Y338X variant was not observed in approximately 6,500 individuals of European and African American ancestry in the NHLBI Exome Sequencing Project, indicating it is not a common benign variant in these populations. We interpret Y338X as a pathogenic variant.

Literature cited by the submitters: PubMed 25944381 (cited by Labcorp Genetics (formerly Invitae), Labcorp).

NM_001347721.2(DYRK1A):c.987T>G (p.Tyr329Ter)

Gene: DYRK1A (dual specificity tyrosine phosphorylation regulated kinase 1A; plus strand). Cytogenetic location: 21q22.13.
Variant type: single nucleotide variant.
Coding change: c.987T>G on transcript NM_001347721.2 (MANE Select); coding-DNA position 987, T replaced by G.
Protein change: p.Tyr329Ter; replaces tyrosine 329 with a stop codon.
Molecular consequence: nonsense.
Genome position (GRCh38, 1-based): chr21:37,493,079, T>G. VCF-style: chr21-37493079-T-G. GRCh37 (hg19) VCF-style: chr21-38865381-T-G.
Other names: c.987T>G, p.Tyr329Ter (NM_001347722.2, NM_130436.2); c.900T>G, p.Tyr300Ter (NM_001347723.2); c.1014T>G, p.Tyr338Ter (NM_001396.5, NM_101395.2, NM_130438.2); short protein forms Y338*, Y300*, Y329*.
Identifiers: ClinVar variation 280454 (VCV000280454.7), dbSNP rs886041658, ClinGen allele CA10603547.